The following is an entry in ClinVar:

ClinVar aggregate classification (germline): Uncertain significance (1 of 4 stars; one submission).

Conditions:
POLG-related disorder. Also called: POLG-Related Spectrum Disorders; POLG-related condition; POLG-Related Disorders. Identifiers: MedGen C4763519.

Submission:

Myriad Genetics, Inc.
Classification: Uncertain significance for POLG-related disorder. Last evaluated: 2025-08-08. Review status: criteria provided, single submitter. Criteria: Myriad Autosomal Dominant, Autosomal Recessive and X-Linked Classification Criteria (2023). Collection method: clinical testing. Allele origin: unknown.
Comment: NM_002693.2(POLG):c.3715_*11del17(P1239Gfs*38) is a frameshift variant that results in protein elongation classified as a variant of uncertain significance in the context of POLG-related disorders. P1239Gfs*38 has not been observed in cases with relevant disease. Relevant functional assessments of this variant are not available in the literature. P1239Gfs*38 has not been observed in referenced population frequency databases. In summary, there is insufficient evidence to classify NM_002693.2(POLG):c.3715_*11del17(P1239Gfs*38) as pathogenic or benign. Please note: this variant was assessed in the context of healthy population screening.

NM_002693.3(POLG):c.3715_*11del (p.Pro1239fs)

Genes: FANCI (FA complementation group I; plus strand), POLG (DNA polymerase gamma, catalytic subunit; minus strand). Cytogenetic location: 15q26.1.
Variant type: Deletion.
Coding change: c.3715_*11del on transcript NM_002693.3 (MANE Select); coding-DNA position 3715 through 11 bases downstream of the stop codon, 17 bases deleted (CCATAGCACTGCCTGGA).
Protein change: p.Pro1239fs; shifts the reading frame from proline 1239.
Molecular consequence: frameshift variant. On other transcripts: 3 prime UTR variant (4).
Genome position (GRCh38, 1-based): chr15:89,316,740-89,316,756, TCCAGGCAGTGCTATGG deleted on the plus strand (CCATAGCACTGCCTGGA on the coding strand, the reverse complement: POLG is on the minus strand); deleting any 17 consecutive bases within chr15:89,316,740-89,316,763 gives the same sequence; the c. name uses the placement nearest the transcript's 3' end. VCF-style (leftmost placement, unchanged base first): chr15-89316739-CTCCAGGCAGTGCTATGG-C. GRCh37 (hg19) VCF-style: chr15-89859970-CTCCAGGCAGTGCTATGG-C.
Other names: c.3715_*11del, p.Pro1239fs (NM_001126131.2); c.*288_*304del (NM_001113378.2, NM_001376910.1, NM_001376911.1 and 1 more transcripts); short protein forms P1239fs.
Identifiers: ClinVar variation 5004093 (VCV005004093.1).
Genomic context (GRCh38, chr15:89,316,739, plus strand): 5'-AAGCCTGAGTTTGGGAGCCTGCACCACCCCGATGAAGCTCCACGGGAGCAAATACAGAGC[CTCCAGGCAGTGCTATGG>C]TCCAGGCTGGCTTCGTTTTTCCAAGGAGCCTTTGGTGAGTTCAATTATCTGGTAAATATC-3'